The following is an entry in ClinVar:

ClinVar aggregate classification (germline): Likely benign. Review status: criteria provided, single submitter (1 of 4 stars). 2 submissions from 2 submitters: Likely benign (1). 1 of the submissions does not count toward it. Last evaluated 2025-07-10.

Conditions:
Inflammatory skin and bowel disease, neonatal, 1. Identifiers: Orphanet 294023, MedGen C3280501, MONDO:0013693, OMIM 614328.
ADAM17-related disorder. Also called: ADAM17-related condition.

Allele frequency attached by ClinVar (database versions not stated): gnomAD 0.00001; TOPMed 0.00001; gnomAD exomes 0.00002 and 0.00004; ExAC 0.00003.
gnomAD v4.1: 31 of 1,571,758 alleles (0.002%); highest among the groups gnomAD compares: South Asian, 0.02%; 1 homozygote.

Submissions (2):

Labcorp Genetics (formerly Invitae), Labcorp
Classification: Likely benign for Inflammatory skin and bowel disease, neonatal, 1. Last evaluated: 2025-07-10. Review status: criteria provided, single submitter. Criteria: Invitae Variant Classification Sherloc (09022015). Collection method: clinical testing. Allele origin: germline.

PreventionGenetics, part of Exact Sciences
Classification: Likely benign for ADAM17-related condition. Last evaluated: 2019-09-13. Review status: no assertion criteria provided. Collection method: clinical testing. Allele origin: germline. Not counted in ClinVar's aggregate classification.
Comment: This variant is classified as likely benign based on ACMG/AMP sequence variant interpretation guidelines (Richards et al. 2015 PMID: 25741868, with internal and published modifications).

NM_003183.6(ADAM17):c.230+9A>G

Gene: ADAM17 (ADAM metallopeptidase domain 17; minus strand). Cytogenetic location: 2p25.1.
Variant type: single nucleotide variant.
Coding change: c.230+9A>G on transcript NM_003183.6 (MANE Select); 9 bases into the intron after coding-DNA position 230, A replaced by G.
Molecular consequence: intron variant.
Genome position (GRCh38, 1-based): chr2:9,543,144, T>C on the plus strand (A>G on the coding strand, the complement: ADAM17 is on the minus strand). VCF-style: chr2-9543144-T-C. GRCh37 (hg19) VCF-style: chr2-9683273-T-C.
Other names: c.-451+9A>G (NM_001382777.1); c.-693+9A>G (NM_001382778.1); c.230+9A>G (NM_003183.5).
Identifiers: ClinVar variation 1544532 (VCV001544532.10), dbSNP rs375542168, ClinGen allele CA1523837.
Genomic context (GRCh38, chr2:9,543,144, plus strand): 5'-TTACTTTTTTGTTTTTGCCAAACCAAGCCCCCAGTGCCCCAACATTATTCCATGAATAAT[T>C]CAAATTACCTTTTCAAAGCTGAAAAAGTTAGTAGTGTTTCTACATGTGTTGAAGTCTGTA-3'